The following is an entry in ClinVar:

ClinVar aggregate classification (germline): Uncertain significance. Review status: criteria provided, multiple submitters, no conflicts (2 of 4 stars). 4 submissions from 4 submitters: Uncertain significance (4). Last evaluated 2025-04-15.

Conditions:
Bardet-Biedl syndrome (BBS). Identifiers: Orphanet 110, MedGen C0752166, MONDO:0015229.
Bardet-Biedl syndrome 4 (BBS4). Identifiers: Orphanet 110, MedGen C2936864, MONDO:0014433, OMIM 615982.
Inborn genetic diseases. Identifiers: MedGen C0950123, MeSH D030342.

Allele frequency attached by ClinVar (database versions not stated): gnomAD exomes below 0.00001 and 0.00001; ExAC 0.00001.
gnomAD v4.1: 8 of 1,614,156 alleles (0.0005%); highest among the groups gnomAD compares: East Asian, 0.0022%; no homozygotes.

Submissions (4):

Ambry Genetics
Classification: Uncertain significance for Inborn genetic diseases. Last evaluated: 2025-04-15. Review status: criteria provided, single submitter. Criteria: Ambry Variant Classification Scheme 2023. Collection method: clinical testing. Allele origin: germline.

Fulgent Genetics
Classification: Uncertain significance for Bardet-Biedl syndrome 4. Last evaluated: 2024-04-29. Review status: criteria provided, single submitter. Criteria: ACMG Guidelines, 2015. Collection method: clinical testing. Allele origin: germline.

Blueprint Genetics
Classification: Uncertain significance. Last evaluated: 2023-01-25. Review status: criteria provided, single submitter. Criteria: ACMG Guidelines, 2015. Collection method: clinical testing. Allele origin: germline.

Labcorp Genetics (formerly Invitae), Labcorp
Classification: Uncertain significance for Bardet-Biedl syndrome. Last evaluated: 2021-08-31. Review status: criteria provided, single submitter. Criteria: Invitae Variant Classification Sherloc (09022015). Collection method: clinical testing. Allele origin: germline.
Comment: This sequence change replaces serine with proline at codon 464 of the BBS4 protein (p.Ser464Pro). The serine residue is moderately conserved and there is a moderate physicochemical difference between serine and proline. This variant is present in population databases (rs776847398, ExAC 0.006%). This variant has not been reported in the literature in individuals affected with BBS4-related conditions. Algorithms developed to predict the effect of missense changes on protein structure and function are either unavailable or do not agree on the potential impact of this missense change (SIFT: "Deleterious"; PolyPhen-2: "Possibly Damaging"; Align-GVGD: "Class C0"). In summary, the available evidence is currently insufficient to determine the role of this variant in disease. Therefore, it has been classified as a Variant of Uncertain Significance.

NM_033028.5(BBS4):c.1390T>C (p.Ser464Pro)

Gene: BBS4 (Bardet-Biedl syndrome 4; plus strand). Cytogenetic location: 15q24.1.
Variant type: single nucleotide variant.
Coding change: c.1390T>C on transcript NM_033028.5 (MANE Select); coding-DNA position 1390, T replaced by C.
Protein change: p.Ser464Pro; replaces serine 464 with proline.
Molecular consequence: missense variant. On other transcripts: non-coding transcript variant (2).
Genome position (GRCh38, 1-based): chr15:72,736,903, T>C. VCF-style: chr15-72736903-T-C. GRCh37 (hg19) VCF-style: chr15-73029244-T-C.
Other names: c.1390T>C (NM_033028.3); c.874T>C, p.Ser292Pro (NM_001252678.2); c.1321T>C, p.Ser441Pro (NM_001320665.2); short protein forms S292P, S441P, S464P.
Identifiers: ClinVar variation 1059720 (VCV001059720.10), dbSNP rs776847398, ClinGen allele CA7647012.